The following is an entry in ClinVar:

ClinVar aggregate classification (germline): Uncertain significance (1 of 4 stars; one submission).

gnomAD v4.1: 5 of 1,613,974 alleles (0.00031%); highest among the groups gnomAD compares: Non-Finnish European, 0.00042%; no homozygotes.

Submission:

Labcorp Genetics (formerly Invitae), Labcorp
Classification: Uncertain significance. Last evaluated: 2022-12-06. Review status: criteria provided, single submitter. Criteria: Invitae Variant Classification Sherloc (09022015). Collection method: clinical testing. Allele origin: germline.
Comment: This sequence change replaces arginine, which is basic and polar, with glycine, which is neutral and non-polar, at codon 27 of the MCM5 protein (p.Arg27Gly). This variant is present in population databases (no rsID available, gnomAD 0.007%). This variant has not been reported in the literature in individuals affected with MCM5-related conditions. Algorithms developed to predict the effect of missense changes on protein structure and function (SIFT, PolyPhen-2, Align-GVGD) all suggest that this variant is likely to be tolerated. In summary, the available evidence is currently insufficient to determine the role of this variant in disease. Therefore, it has been classified as a Variant of Uncertain Significance.

NM_006739.4(MCM5):c.79C>G (p.Arg27Gly)

Gene: MCM5 (minichromosome maintenance complex component 5; plus strand). Cytogenetic location: 22q12.3.
Variant type: single nucleotide variant.
Coding change: c.79C>G on transcript NM_006739.4 (MANE Select); coding-DNA position 79, C replaced by G.
Protein change: p.Arg27Gly; replaces arginine 27 with glycine.
Molecular consequence: missense variant.
Genome position (GRCh38, 1-based): chr22:35,400,517, C>G. VCF-style: chr22-35400517-C-G. GRCh37 (hg19) VCF-style: chr22-35796510-C-G.
Other names: short protein forms R27G.
Identifiers: ClinVar variation 2985086 (VCV002985086.3), dbSNP rs1213676370, ClinGen allele CA411356479.
Genomic context (GRCh38, chr22:35,400,517, plus strand): 5'-CCTGGCATTTTCTACAGCGACAGCTTCGGGGGCGACGCCCAGGCCGACGAGGGGCAGGCC[C>G]GCAAATCGCAGCTGCAGAGGCGCTTCAAGGAGTTCCTGCGGCAGTACCGAGTGGGCACCG-3'
Protein context (NP_006730.2, residues 17-37): GDAQADEGQA[Arg27Gly]KSQLQRRFKE